The following is an entry in ClinVar:

ClinVar aggregate classification (germline): Benign. Review status: criteria provided, multiple submitters, no conflicts (2 of 4 stars). 3 submissions from 3 submitters: Benign (2). 1 of the submissions does not count toward it. Last evaluated 2019-12-31.

Conditions:
SHROOM3-related disorder. Also called: SHROOM3-related condition.

Allele frequency attached by ClinVar (database versions not stated): gnomAD exomes 0.00144 and 0.00420; ExAC 0.00544; gnomAD 0.01631 and 0.01743; TOPMed 0.01769; 1000 Genomes Project 0.01877; 1000 Genomes Project 30x 0.01889; ESP Exome Variant Server 0.02022.
gnomAD v4.1: 4,682 of 1,614,064 alleles (0.29%); highest among the groups gnomAD compares: African/African-American, 5.5%; 110 homozygotes.

Submissions (3):

Labcorp Genetics (formerly Invitae), Labcorp
Classification: Benign. Last evaluated: 2019-12-31. Review status: criteria provided, single submitter. Criteria: Invitae Variant Classification Sherloc (09022015). Collection method: clinical testing. Allele origin: germline.

Breakthrough Genomics
Classification: Benign. Review status: criteria provided, single submitter. Criteria: ACMG Guidelines, 2015. Collection method: not provided. Allele origin: germline. Inheritance: Unknown mechanism. Affected: yes.

PreventionGenetics, part of Exact Sciences
Classification: Benign for SHROOM3-related condition. Last evaluated: 2019-02-24. Review status: no assertion criteria provided. Collection method: clinical testing. Allele origin: germline. Not counted in ClinVar's aggregate classification.
Comment: This variant is classified as benign based on ACMG/AMP sequence variant interpretation guidelines (Richards et al. 2015 PMID: 25741868, with internal and published modifications).

NM_020859.4(SHROOM3):c.1224T>C (p.Asp408=)

Genes: SHROOM3 (shroom family member 3; plus strand), SHROOM3-AS1 (SHROOM3 antisense RNA 1; minus strand). Cytogenetic location: 4q21.1.
Variant type: single nucleotide variant.
Coding change: c.1224T>C on transcript NM_020859.4 (MANE Select); coding-DNA position 1224, T replaced by C.
Protein change: p.Asp408=; no amino-acid change (aspartic acid 408 retained).
Molecular consequence: synonymous variant.
Genome position (GRCh38, 1-based): chr4:76,739,397, T>C. VCF-style: chr4-76739397-T-C. GRCh37 (hg19) VCF-style: chr4-77660550-T-C.
Identifiers: ClinVar variation 790003 (VCV000790003.7), dbSNP rs61745983, ClinGen allele CA2972317.